The following is an entry in ClinVar:

ClinVar aggregate classification (germline): Conflicting classifications of pathogenicity. Review status: criteria provided, conflicting classifications (1 of 4 stars). 5 submissions from 5 submitters: Uncertain significance (4); Likely benign (1). Last evaluated 2024-11-20.

Conditions:
Congenital factor VII deficiency. Identifiers: Orphanet 327, MedGen C0272320, MONDO:0009211, OMIM 227500.
Factor VII deficiency. Also called: Factor 7 deficiency; F7 DEFICIENCY; HYPOPROCONVERTINEMIA. Identifiers: MedGen C0015503, MeSH D005168, MONDO:0002244.

Submissions (5):

Blueprint Genetics
Classification: Likely benign. Last evaluated: 2024-11-20. Review status: criteria provided, single submitter. Criteria: ACMG Guidelines, 2015. Collection method: clinical testing. Allele origin: germline.

Department of Pathology and Laboratory Medicine, Sinai Health System
Classification: Uncertain significance for Congenital factor VII deficiency. Last evaluated: 2023-07-25. Review status: criteria provided, single submitter. Criteria: ACMG Guidelines, 2015. Collection method: research. Allele origin: germline.

NIHR Bioresource Rare Diseases, University of Cambridge
Classification: Uncertain significance for Congenital factor VII deficiency. Last evaluated: 2019-02-01. Review status: criteria provided, single submitter. Criteria: ACMG Guidelines, 2015. Collection method: research. Allele origin: unknown. Affected: yes. Observed: 1 heterozygote. Study: ThromboGenomics.

Breakthrough Genomics
Classification: Uncertain significance. Review status: criteria provided, single submitter. Criteria: ACMG Guidelines, 2015. Collection method: not provided. Allele origin: germline. Inheritance: Autosomal recessive inheritance. Affected: yes.

ISTH-SSC Genomics in Thrombosis and Hemostasis, KU Leuven, Center for Molecular and Vascular Biology
Classification: Uncertain significance for Congenital factor VII deficiency. Review status: criteria provided, single submitter. Criteria: ACMG Guidelines, 2015. Collection method: clinical testing. Allele origin: unknown. Affected: yes. Observed: 2 heterozygotes.
Comment: GoldVariant submitter: Dr Karyn Mégy NIHR Bioresource - Cambridge University, UK

Literature cited by the submitters: PubMed 31064749 (cited by NIHR Bioresource Rare Diseases, University of Cambridge); PubMed 34355501 (cited by ISTH-SSC Genomics in Thrombosis and Hemostasis, KU Leuven, Center for Molecular and Vascular Biology).

NM_019616.4(F7):c.739+7_739+43del

Gene: F7 (coagulation factor VII; plus strand). Cytogenetic location: 13q34.
Variant type: Deletion.
Coding change: c.739+7_739+43del on transcript NM_019616.4 (MANE Select); bases 7 to 43 of the intron after coding-DNA position 739, 37 bases deleted.
Molecular consequence: splice donor variant.
Genome position (GRCh38, 1-based): chr13:113,117,603-113,117,639, 37 bases deleted; deleting any 37 consecutive bases within chr13:113,117,586-113,117,639 gives the same sequence; the c. name uses the placement nearest the transcript's 3' end. GRCh37 (hg19): chr13:113,771,917-113,771,953.
Other names: c.805+7_805+43del (NM_000131.5); c.553+7_553+43del (NM_001267554.2); c.805+7_805+43delACCACTCTCCCCTGTCCGACCGCGGTGCTGGGTGGGT (NM_000131.4).
Identifiers: ClinVar variation 627387 (VCV000627387.6), dbSNP rs1309684522, ClinGen allele CA7060080.
Genomic context (GRCh38, chr13:113,117,585, plus strand): 5'-CCATCTGGGTGGTCTCCGCGGCCCACTGTTTCGACAAAATCAAGAACTGGAGGAACCTGA[TCGCGGTGCTGGGTGGGTACCACTCTCCCCTGTCCGAC>T]CGCGGTGCTGGGTGGGTGCCACTCTTCCCTGTCCGACCGCGGTGCTGGGTGGGTGCCACT-3'